The following is an entry in ClinVar:

ClinVar aggregate classification (germline): Conflicting classifications of pathogenicity. Review status: criteria provided, conflicting classifications (1 of 4 stars). 4 submissions from 4 submitters: Uncertain significance (1); Likely benign (3). Last evaluated 2025-10-02.

Conditions:
Cardiovascular phenotype. Identifiers: MedGen CN230736.
Long QT syndrome (LQTS). Identifiers: MedGen C0023976, MeSH D008133, MONDO:0002442. Disease mechanism: loss of function. Inheritance: Various modes of inheritance.

Allele frequency attached by ClinVar (database versions not stated): gnomAD 0.00001 and 0.00002; gnomAD exomes 0.00002; TOPMed 0.00002; ExAC 0.00004.
gnomAD v4.1: 93 of 1,606,926 alleles (0.0058%); highest among the groups gnomAD compares: Non-Finnish European, 0.0076%; no homozygotes.

Submissions (4):

Labcorp Genetics (formerly Invitae), Labcorp
Classification: Likely benign for Long QT syndrome. Last evaluated: 2025-10-02. Review status: criteria provided, single submitter. Criteria: Invitae Variant Classification Sherloc (09022015). Collection method: clinical testing. Allele origin: germline.

Blueprint Genetics
Classification: Likely benign. Last evaluated: 2024-10-15. Review status: criteria provided, single submitter. Criteria: ACMG Guidelines, 2015. Collection method: clinical testing. Allele origin: germline.

GeneDx
Classification: Uncertain significance. Last evaluated: 2024-06-12. Review status: criteria provided, single submitter. Criteria: GeneDx Variant Classification Process June 2021. Collection method: clinical testing. Allele origin: germline. Affected: yes.
Comment: Has not been previously published as pathogenic or benign to our knowledge; In silico analysis indicates that this missense variant does not alter protein structure/function

Ambry Genetics
Classification: Likely benign for Cardiovascular phenotype. Last evaluated: 2024-01-03. Review status: criteria provided, single submitter. Criteria: Ambry Variant Classification Scheme 2023. Collection method: clinical testing. Allele origin: germline.

NM_000719.7(CACNA1C):c.482G>A (p.Arg161Gln)

Gene: CACNA1C (calcium voltage-gated channel subunit alpha1 C; plus strand). Cytogenetic location: 12p13.33.
Variant type: single nucleotide variant.
Coding change: c.482G>A on transcript NM_000719.7 (MANE Select); coding-DNA position 482, G replaced by A.
Protein change: p.Arg161Gln; replaces arginine 161 with glutamine.
Molecular consequence: missense variant.
Genome position (GRCh38, 1-based): chr12:2,448,980, G>A. VCF-style: chr12-2448980-G-A. GRCh37 (hg19) VCF-style: chr12-2558146-G-A.
Other names: c.482G>A, p.Arg161Gln (NM_001129827.2, NM_001129829.2, NM_001129830.3 and 19 more transcripts); short protein forms R161Q.
Identifiers: ClinVar variation 519371 (VCV000519371.16), dbSNP rs777210376, ClinGen allele CA6388469.
Genomic context (GRCh38, chr12:2,448,980, plus strand): 5'-TCCAAATCCCCAAACCAATGACTTATTTTTCTCTCTTTTCTATTTCTGTTTCCTAGGAAC[G>A]AGTGGAATATCTCTTTCTCATAATTTTTACGGTGGAAGCGTTTTTAAAAGTAATCGCCTA-3'
Protein context (NP_000710.5, residues 151-171): DSNATNSNLE[Arg161Gln]VEYLFLIIFT